The following is an entry in ClinVar:

NM_007294.4(BRCA1):c.2162_2163del (p.Phe721fs)

Gene: BRCA1 (BRCA1 DNA repair associated; minus strand). Cytogenetic location: 17q21.31.
Variant type: Deletion.
Coding change: c.2162_2163del on transcript NM_007294.4 (MANE Select); coding-DNA positions 2162 to 2163, 2 bases deleted (TT; older notation c.2162_2163delTT).
Protein change: p.Phe721fs; shifts the reading frame from phenylalanine 721.
Molecular consequence: frameshift variant. On other transcripts: intron variant (137).
Genome position (GRCh38, 1-based): chr17:43,093,368-43,093,369, AA deleted on the plus strand (TT on the coding strand, the reverse complement: BRCA1 is on the minus strand); deleting any 2 consecutive bases within chr17:43,093,368-43,093,370 gives the same sequence; the c. name uses the placement nearest the transcript's 3' end. VCF-style (leftmost placement, unchanged base first): chr17-43093367-CAA-C. GRCh37 (hg19) VCF-style: chr17-41245384-CAA-C.
Other names: c.2162_2163delTT (NM_007294.3); c.2081_2082del, p.Phe694fs (NM_001407659.1, NM_001407660.1, NM_001407661.1 and 1 more transcripts); c.2084_2085del, p.Phe695fs (NM_001407663.1, NM_001407653.1, NM_001407654.1 and 4 more transcripts); c.2039_2040del, p.Phe680fs (NM_001407664.1, NM_001407665.1, NM_001407666.1 and 19 more transcripts); c.2036_2037del, p.Phe679fs (NM_001407670.1, NM_001407671.1, NM_001407672.1 and 11 more transcripts); c.2162_2163del, p.Phe721fs (NM_001407684.1, NM_001407854.1, NM_001407858.1 and 30 more transcripts); c.2021_2022del, p.Phe674fs (NM_001407692.1, NM_001407694.1, NM_001407695.1 and 29 more transcripts); c.2018_2019del, p.Phe673fs (NM_001407740.1, NM_001407741.1, NM_001407742.1 and 20 more transcripts); and 43 more; short protein forms F674fs, F721fs, F425fs, F553fs, F651fs, F673fs, F679fs, F695fs.
Identifiers: ClinVar variation 462575 (VCV000462575.11), dbSNP rs1555590319, ClinGen allele CA658656732.

ClinVar aggregate classification (germline): Pathogenic. Review status: criteria provided, multiple submitters, no conflicts (2 of 4 stars). 2 submissions from 2 submitters: Pathogenic (2). Last evaluated 2019-11-18.

Conditions:
Hereditary breast ovarian cancer syndrome. Also called: Hereditary breast and ovarian cancer syndrome (HBOC); Hereditary breast and ovarian cancer syndrome; Breast and ovarian cancer; Hereditary breast and/or ovarian cancer syndrome; Hereditary breast and ovarian cancer; BRCA1- and BRCA2-Associated Hereditary Breast and Ovarian Cancer. Identifiers: Orphanet 145, MedGen C0677776, MeSH D061325, MONDO:0003582. Disease mechanism: loss of function.

Submissions (2):

Women's Health and Genetics/Laboratory Corporation of America, LabCorp
Classification: Pathogenic for Hereditary breast and ovarian cancer syndrome. Last evaluated: 2019-11-18. Review status: criteria provided, single submitter. Criteria: LabCorp Variant Classification Summary - May 2015. Collection method: clinical testing. Allele origin: germline.
Comment: Variant summary: BRCA1 c.2162_2163delTT (p.Phe721CysfsX4) results in a premature termination codon, predicted to cause a truncation of the encoded protein or absence of the protein due to nonsense mediated decay, which are commonly known mechanisms for disease. Truncations downstream of this position have been classified as pathogenic by our laboratory. The variant was absent in 250902 control chromosomes. c.2162_2163delTT has been reported in the literature in individuals affected with Hereditary Breast and Ovarian Cancer (Christie_2017, Davies_2017). These data indicate that the variant may be associated with disease. To our knowledge, no experimental evidence demonstrating an impact on protein function has been reported. One clinical diagnostic laboratory has submitted clinical-significance assessments for this variant to ClinVar after 2014 without evidence for independent evaluation and classified the variant as pathogenic. Based on the evidence outlined above, the variant was classified as pathogenic.

Labcorp Genetics (formerly Invitae), Labcorp
Classification: Pathogenic for Hereditary breast ovarian cancer syndrome. Last evaluated: 2017-04-23. Review status: criteria provided, single submitter. Criteria: Invitae Variant Classification Sherloc (09022015). Collection method: clinical testing. Allele origin: germline.
Comment: Loss-of-function variants in BRCA1 are known to be pathogenic. This particular variant has been reported in the literature in an individual affected with ovarian cancer (PMID: 28288110). For these reasons, this variant has been classified as Pathogenic. This sequence change deletes 2 nucleotides from exon 10 of the BRCA1 mRNA (c.2162_2163delTT), causing a frameshift at codon 721. This creates a premature translational stop signal (p.Phe721Cysfs*4) and is expected to result in an absent or disrupted protein product.

Literature cited by the submitters: PubMed 28288110 (cited by Women's Health and Genetics/Laboratory Corporation of America, LabCorp and Labcorp Genetics (formerly Invitae), Labcorp); PubMed 28414925 (cited by Women's Health and Genetics/Laboratory Corporation of America, LabCorp).